The following is an entry in ClinVar:

ClinVar aggregate classification (germline): Likely benign. Review status: criteria provided, single submitter (1 of 4 stars). 2 submissions from 2 submitters: Likely benign (1). 1 of the submissions does not count toward it. Last evaluated 2022-06-20.

Conditions:
LOXL3-related disorder. Also called: LOXL3-related condition.

Allele frequency attached by ClinVar (database versions not stated): gnomAD exomes below 0.00001 and 0.00001; 1000 Genomes Project 30x 0.00016; gnomAD 0.00003; TOPMed 0.00005; 1000 Genomes Project 0.00020.
gnomAD v4.1: 8 of 1,613,710 alleles (0.0005%); highest among the groups gnomAD compares: East Asian, 0.016%; no homozygotes.

Submissions (2):

Labcorp Genetics (formerly Invitae), Labcorp
Classification: Likely benign. Last evaluated: 2022-06-20. Review status: criteria provided, single submitter. Criteria: Invitae Variant Classification Sherloc (09022015). Collection method: clinical testing. Allele origin: germline.

PreventionGenetics, part of Exact Sciences
Classification: Likely benign for LOXL3-related condition. Last evaluated: 2019-08-30. Review status: no assertion criteria provided. Collection method: clinical testing. Allele origin: germline. Not counted in ClinVar's aggregate classification.
Comment: This variant is classified as likely benign based on ACMG/AMP sequence variant interpretation guidelines (Richards et al. 2015 PMID: 25741868, with internal and published modifications).

NM_032603.5(LOXL3):c.129G>A (p.Arg43=)

Genes: DOK1 (docking protein 1; plus strand), LOXL3 (lysyl oxidase like 3; minus strand). Cytogenetic location: 2p13.1.
Variant type: single nucleotide variant.
Coding change: c.129G>A on transcript NM_032603.5 (MANE Select); coding-DNA position 129, G replaced by A.
Protein change: p.Arg43=; no amino-acid change (arginine 43 retained).
Molecular consequence: synonymous variant. On other transcripts: intron variant (1).
Genome position (GRCh38, 1-based): chr2:74,552,506, C>T on the plus strand (G>A on the coding strand, the complement: LOXL3 is on the minus strand). VCF-style: chr2-74552506-C-T. GRCh37 (hg19) VCF-style: chr2-74779633-C-T.
Other names: c.129G>A, p.Arg43= (NM_001289164.3); c.-357-2648C>T (NM_001197260.2).
Identifiers: ClinVar variation 1570943 (VCV001570943.11), dbSNP rs191994982, ClinGen allele CA50502722.